The following is an entry in ClinVar:

NM_025150.5(TARS2):c.2079G>C (p.Glu693Asp)

Gene: TARS2 (threonyl-tRNA synthetase 2, mitochondrial; plus strand). Cytogenetic location: 1q21.2.
Variant type: single nucleotide variant.
Coding change: c.2079G>C on transcript NM_025150.5 (MANE Select); coding-DNA position 2079, G replaced by C.
Protein change: p.Glu693Asp; replaces glutamic acid 693 with aspartic acid.
Molecular consequence: missense variant. On other transcripts: non-coding transcript variant (2).
Genome position (GRCh38, 1-based): chr1:150,506,986, G>C. VCF-style: chr1-150506986-G-C. GRCh37 (hg19) VCF-style: chr1-150479462-G-C.
Other names: c.1833G>C, p.Glu611Asp (NM_001271895.2); c.1689G>C, p.Glu563Asp (NM_001271896.2); short protein forms E563D, E693D, E611D.
Identifiers: ClinVar variation 2115919 (VCV002115919.4), dbSNP rs1670255436, ClinGen allele CA342331384.
Genomic context (GRCh38, chr1:150,506,986, plus strand): 5'-GAAAGAGCAAAGTAAGAGAACAGTGAACATTCGGACTCGAGATAATCGTCGCCTTGGGGA[G>C]TGGGACTTGCCTGAGGCTGTGCAGCGACTGGTGGAGCTACAGAACACGAGGGTCCCAAAT-3'
Protein context (NP_079426.2, residues 683-703): IRTRDNRRLG[Glu693Asp]WDLPEAVQRL

ClinVar aggregate classification (germline): Uncertain significance (1 of 4 stars; one submission).

Submission:

Labcorp Genetics (formerly Invitae), Labcorp
Classification: Uncertain significance. Last evaluated: 2022-11-28. Review status: criteria provided, single submitter. Criteria: Invitae Variant Classification Sherloc (09022015). Collection method: clinical testing. Allele origin: germline.
Comment: This variant has not been reported in the literature in individuals affected with TARS2-related conditions. This variant is not present in population databases (gnomAD no frequency). This sequence change replaces glutamic acid, which is acidic and polar, with aspartic acid, which is acidic and polar, at codon 693 of the TARS2 protein (p.Glu693Asp). Advanced modeling of protein sequence and biophysical properties (such as structural, functional, and spatial information, amino acid conservation, physicochemical variation, residue mobility, and thermodynamic stability) performed at Invitae indicates that this missense variant is not expected to disrupt TARS2 protein function. In summary, the available evidence is currently insufficient to determine the role of this variant in disease. Therefore, it has been classified as a Variant of Uncertain Significance.